The following is an entry in ClinVar:

ClinVar aggregate classification (germline): Uncertain significance. Review status: criteria provided, single submitter (1 of 4 stars). 2 submissions from 2 submitters: Uncertain significance (1). 1 of the submissions does not count toward it. Last evaluated 2024-03-08.

Conditions:
SEMA3D-related disorder. Also called: SEMA3D-related condition.

Allele frequency attached by ClinVar (database versions not stated): gnomAD exomes 0.00001; TOPMed 0.00002; gnomAD 0.00004.
gnomAD v4.1: 19 of 1,553,476 alleles (0.0012%); highest among the groups gnomAD compares: Non-Finnish European, 0.0016%; no homozygotes.

Submissions (2):

Ambry Genetics
Classification: Uncertain significance. Last evaluated: 2024-03-08. Review status: criteria provided, single submitter. Criteria: Ambry Variant Classification Scheme 2023. Collection method: clinical testing. Allele origin: germline.

PreventionGenetics, part of Exact Sciences
Classification: Uncertain significance for SEMA3D-related condition. Last evaluated: 2024-08-19. Review status: no assertion criteria provided. Collection method: clinical testing. Allele origin: germline. Not counted in ClinVar's aggregate classification.
Comment: The SEMA3D c.502A>G variant is predicted to result in the amino acid substitution p.Ile168Val. To our knowledge, this variant has not been reported in the literature. This variant is reported in 0.0047% of alleles in individuals of European (Non-Finnish) descent in gnomAD. At this time, the clinical significance of this variant is uncertain due to the absence of conclusive functional and genetic evidence.

NM_001384900.1(SEMA3D):c.502A>G (p.Ile168Val)

Gene: SEMA3D (semaphorin 3D; minus strand). Cytogenetic location: 7q21.11.
Variant type: single nucleotide variant.
Coding change: c.502A>G on transcript NM_001384900.1 (MANE Select); coding-DNA position 502, A replaced by G.
Protein change: p.Ile168Val; replaces isoleucine 168 with valine.
Molecular consequence: missense variant.
Genome position (GRCh38, 1-based): chr7:85,068,278, T>C on the plus strand (A>G on the coding strand, the complement: SEMA3D is on the minus strand). VCF-style: chr7-85068278-T-C. GRCh37 (hg19) VCF-style: chr7-84697594-T-C.
Other names: c.502A>G, p.Ile168Val (NM_001384901.1, NM_001384902.1, NM_001384903.1 and 1 more transcripts); short protein forms I168V.
Identifiers: ClinVar variation 3029123 (VCV003029123.3), dbSNP rs1211095957, ClinGen allele CA368026113.
Genomic context (GRCh38, chr7:85,068,278, plus strand): 5'-GAGGATCGAAAGGACATTTCAGTCTGCCAGACTCCAAATTATGTGTGTCTAGTTTGAATA[T>C]AATATCCTGTTATGAGAAATATTAACACTAGTGAACTTTTTAAAAATATTACAAACAGTA-3'
Protein context (NP_001371829.1, residues 158-178): IDLGVYKEDI[Ile168Val]FKLDTHNLES